The following is an entry in ClinVar:

ClinVar aggregate classification (germline): Uncertain significance (1 of 4 stars; one submission).

Submission:

CeGaT Center for Human Genetics Tuebingen
Classification: Uncertain significance. Last evaluated: 2022-10-01. Review status: criteria provided, single submitter. Criteria: CeGaT Center For Human Genetics Tuebingen Variant Classification Criteria Version 2. Collection method: clinical testing. Allele origin: germline. Affected: yes. Observed: 1 variant allele.
Comment: NLRC4: PM2, BP4

NM_001199138.2(NLRC4):c.1426A>G (p.Lys476Glu)

Gene: NLRC4 (NLR family CARD domain containing 4; minus strand). Cytogenetic location: 2p22.3.
Variant type: single nucleotide variant.
Coding change: c.1426A>G on transcript NM_001199138.2 (MANE Select); coding-DNA position 1426, A replaced by G.
Protein change: p.Lys476Glu; replaces lysine 476 with glutamic acid.
Molecular consequence: missense variant. On other transcripts: intron variant (1).
Genome position (GRCh38, 1-based): chr2:32,250,438, T>C on the plus strand (A>G on the coding strand, the complement: NLRC4 is on the minus strand). VCF-style: chr2-32250438-T-C. GRCh37 (hg19) VCF-style: chr2-32475507-T-C.
Other names: c.1426A>G, p.Lys476Glu (NM_001199139.2, NM_021209.5); c.262+1981A>G (NM_001302504.1); short protein forms K476E.
Identifiers: ClinVar variation 1879463 (VCV001879463.29), dbSNP rs1462120376, ClinGen allele CA346512484.